The following is an entry in ClinVar:

NM_014704.4(CEP104):c.886G>A (p.Glu296Lys)

Gene: CEP104 (centrosomal protein 104; minus strand). Cytogenetic location: 1p36.32.
Variant type: single nucleotide variant.
Coding change: c.886G>A on transcript NM_014704.4 (MANE Select); coding-DNA position 886, G replaced by A.
Protein change: p.Glu296Lys; replaces glutamic acid 296 with lysine.
Molecular consequence: missense variant.
Genome position (GRCh38, 1-based): chr1:3,838,969, C>T on the plus strand (G>A on the coding strand, the complement: CEP104 is on the minus strand). VCF-style: chr1-3838969-C-T. GRCh37 (hg19) VCF-style: chr1-3755533-C-T.
Other names: short protein forms E296K.
Identifiers: ClinVar variation 2148262 (VCV002148262.3), dbSNP rs752473793, ClinGen allele CA551788.

ClinVar aggregate classification (germline): Uncertain significance (1 of 4 stars; one submission).

Conditions:
Joubert syndrome 25 (JBTS25). Identifiers: Orphanet 475, MedGen C4084842, MONDO:0014770, OMIM 616781.

Allele frequency attached by ClinVar (database versions not stated): gnomAD 0.00003; gnomAD exomes 0.00003; TOPMed 0.00006; ExAC 0.00008.
gnomAD v4.1: 48 of 1,613,970 alleles (0.003%); highest among the groups gnomAD compares: East Asian, 0.065%; no homozygotes.

Submission:

Labcorp Genetics (formerly Invitae), Labcorp
Classification: Uncertain significance for Joubert syndrome 25. Last evaluated: 2022-01-27. Review status: criteria provided, single submitter. Criteria: Invitae Variant Classification Sherloc (09022015). Collection method: clinical testing. Allele origin: germline.
Comment: This sequence change replaces glutamic acid, which is acidic and polar, with lysine, which is basic and polar, at codon 296 of the CEP104 protein (p.Glu296Lys). This variant is present in population databases (rs752473793, gnomAD 0.08%). This variant has not been reported in the literature in individuals affected with CEP104-related conditions. Algorithms developed to predict the effect of missense changes on protein structure and function (SIFT, PolyPhen-2, Align-GVGD) all suggest that this variant is likely to be tolerated. In summary, the available evidence is currently insufficient to determine the role of this variant in disease. Therefore, it has been classified as a Variant of Uncertain Significance.